The following is an entry in ClinVar:

NM_001079802.2(FKTN):c.1383T>C (p.Tyr461=)

Gene: FKTN (fukutin; plus strand). Cytogenetic location: 9q31.2.
Variant type: single nucleotide variant.
Coding change: c.1383T>C on transcript NM_001079802.2 (MANE Select); coding-DNA position 1383, T replaced by C.
Protein change: p.Tyr461=; no amino-acid change (tyrosine 461 retained).
Molecular consequence: synonymous variant. On other transcripts: 3 prime UTR variant (1), non-coding transcript variant (2), intron variant (1).
Genome position (GRCh38, 1-based): chr9:105,635,261, T>C. VCF-style: chr9-105635261-T-C. GRCh37 (hg19) VCF-style: chr9-108397542-T-C.
Other names: c.1383T>C, p.Tyr461= (NM_001351496.2, NM_006731.2); c.1314T>C, p.Tyr438= (NM_001351497.2); c.*175T>C (NM_001351498.2); c.987T>C, p.Tyr329= (NM_001351499.2, NM_001351500.2, NM_001351501.2 and 1 more transcripts); c.1270+113T>C (NM_001198963.2).
Identifiers: ClinVar variation 669368 (VCV000669368.13), dbSNP rs140899569, ClinGen allele CA5170623.

ClinVar aggregate classification (germline): Likely benign. Review status: criteria provided, multiple submitters, no conflicts (2 of 4 stars). 3 submissions from 3 submitters: Likely benign (3). Last evaluated 2025-12-24.

Conditions:
Cardiovascular phenotype. Identifiers: MedGen CN230736.
Walker-Warburg congenital muscular dystrophy. Also called: Muscular dystrophy-dystroglycanopathy, type A; Walker-Warburg syndrome. Identifiers: Orphanet 899, MedGen C0265221, MONDO:0000171.

Allele frequency attached by ClinVar (database versions not stated): gnomAD exomes below 0.00001 and 0.00001; ExAC 0.00002; TOPMed 0.00002; gnomAD 0.00003 and 0.00004; ESP Exome Variant Server 0.00008.
gnomAD v4.1: 12 of 1,613,794 alleles (0.00074%); highest among the groups gnomAD compares: African/African-American, 0.011%; no homozygotes.

Submissions (3):

Labcorp Genetics (formerly Invitae), Labcorp
Classification: Likely benign for Walker-Warburg congenital muscular dystrophy. Last evaluated: 2025-12-24. Review status: criteria provided, single submitter. Criteria: Invitae Variant Classification Sherloc (09022015). Collection method: clinical testing. Allele origin: germline.

Ambry Genetics
Classification: Likely benign for Cardiovascular phenotype. Last evaluated: 2023-05-18. Review status: criteria provided, single submitter. Criteria: Ambry Variant Classification Scheme 2023. Collection method: clinical testing. Allele origin: germline.

GeneDx
Classification: Likely benign. Last evaluated: 2018-06-07. Review status: criteria provided, single submitter. Criteria: GeneDx Variant Classification (06012015). Collection method: clinical testing. Allele origin: germline. Affected: yes.
Comment: This variant is considered likely benign or benign based on one or more of the following criteria: it is a conservative change, it occurs at a poorly conserved position in the protein, it is predicted to be benign by multiple in silico algorithms, and/or has population frequency not consistent with disease.